The following is an entry in ClinVar:

ClinVar aggregate classification (germline): Uncertain significance (1 of 4 stars; one submission).

Conditions:
Very long chain acyl-CoA dehydrogenase deficiency (ACADVLD). Also called: VLCAD Deficiency; Very Long-Chain Acyl-Coenzyme A Dehydrogenase Deficiency. Identifiers: Orphanet 26793, MedGen C3887523, MONDO:0008723, OMIM 201475.

gnomAD v4.1: 2 of 1,614,110 alleles (0.00012%); highest among the groups gnomAD compares: South Asian, 0.0011%; no homozygotes.

Submission:

3billion
Classification: Uncertain significance for Very long chain acyl-CoA dehydrogenase deficiency. Last evaluated: 2024-02-07. Review status: criteria provided, single submitter. Criteria: ACMG Guidelines, 2015. Collection method: clinical testing. Allele origin: germline. Affected: yes.
Comment: The variant is not observed in the gnomAD v2.1.1 dataset. Predicted Consequence/Location: Missense variant In silico tool predictions suggest damaging effect of the variant on gene or gene product [REVEL: 0.96 (>=0.6, sensitivity 0.68 and specificity 0.92); 3Cnet: 0.97 (>=0.6, sensitivity 0.72 and precision 0.9)]. Therefore, this variant is classified as VUS according to the recommendation of ACMG/AMP guideline.

NM_000018.4(ACADVL):c.1262T>C (p.Phe421Ser)

Gene: ACADVL (acyl-CoA dehydrogenase very long chain; plus strand). Cytogenetic location: 17p13.1.
Variant type: single nucleotide variant.
Coding change: c.1262T>C on transcript NM_000018.4 (MANE Select); coding-DNA position 1262, T replaced by C.
Protein change: p.Phe421Ser; replaces phenylalanine 421 with serine.
Molecular consequence: missense variant.
Genome position (GRCh38, 1-based): chr17:7,223,723, T>C. VCF-style: chr17-7223723-T-C. GRCh37 (hg19) VCF-style: chr17-7127042-T-C.
Other names: c.1196T>C, p.Phe399Ser (NM_001033859.3); c.1331T>C, p.Phe444Ser (NM_001270447.2); c.1034T>C, p.Phe345Ser (NM_001270448.2); short protein forms F345S, F399S, F421S, F444S.
Identifiers: ClinVar variation 3775647 (VCV003775647.1).